The following is an entry in ClinVar:

ClinVar aggregate classification (germline): Likely benign (0 of 4 stars; one submission).

Conditions:
CEP290-related disorder. Also called: CEP290-related condition; CEP290-related disorders. Identifiers: MedGen CN239314.

Submission:

PreventionGenetics, part of Exact Sciences
Classification: Likely benign for CEP290-related condition. Last evaluated: 2024-03-18. Review status: no assertion criteria provided. Collection method: clinical testing. Allele origin: germline.
Comment: This variant is classified as likely benign based on ACMG/AMP sequence variant interpretation guidelines (Richards et al. 2015 PMID: 25741868, with internal and published modifications).

NM_025114.4(CEP290):c.1523-404T>G

Gene: CEP290 (centrosomal protein 290; minus strand). Cytogenetic location: 12q21.32.
Variant type: single nucleotide variant.
Coding change: c.1523-404T>G on transcript NM_025114.4 (MANE Select); 404 bases into the intron before coding-DNA position 1523, T replaced by G.
Molecular consequence: intron variant.
Genome position (GRCh38, 1-based): chr12:88,119,147, A>C on the plus strand (T>G on the coding strand, the complement: CEP290 is on the minus strand). VCF-style: chr12-88119147-A-C. GRCh37 (hg19) VCF-style: chr12-88512924-A-C.
Identifiers: ClinVar variation 3348956 (VCV003348956.1).